The following is an entry in ClinVar:

ClinVar aggregate classification (germline): Benign (1 of 4 stars; one submission).

Allele frequency attached by ClinVar (database versions not stated): 1000 Genomes Project 30x 0.20315; 1000 Genomes Project 0.20527; TOPMed 0.23491; ESP Exome Variant Server 0.23681; gnomAD 0.25586; ExAC 0.29149; gnomAD exomes 0.29719.
gnomAD v4.1: 471,815 of 1,612,038 alleles (29%); highest among the groups gnomAD compares: Non-Finnish European, 31%; 72,263 homozygotes.

Submission:

Unidad de Genómica Garrahan, Hospital de Pediatría Garrahan
Classification: Benign. Last evaluated: 2024-01-24. Review status: criteria provided, single submitter. Criteria: ACMG Guidelines, 2015. Collection method: clinical testing. Allele origin: germline. Affected: no. Observed: 37 variant alleles.
Comment: This variant is classified as Benign based on local population frequency. This variant was detected in 42% of patients studied by a panel of primary immunodeficiencies. Number of patients: 37. Only high quality variants are reported.

NM_021258.4(IL22RA1):c.936C>T (p.Pro312=)

Gene: IL22RA1 (interleukin 22 receptor subunit alpha 1; minus strand). Cytogenetic location: 1p36.11.
Variant type: single nucleotide variant.
Coding change: c.936C>T on transcript NM_021258.4 (MANE Select); coding-DNA position 936, C replaced by T.
Protein change: p.Pro312=; no amino-acid change (proline 312 retained).
Molecular consequence: synonymous variant.
Genome position (GRCh38, 1-based): chr1:24,121,594, G>A on the plus strand (C>T on the coding strand, the complement: IL22RA1 is on the minus strand). VCF-style: chr1-24121594-G-A. GRCh37 (hg19) VCF-style: chr1-24448084-G-A.
Identifiers: ClinVar variation 2688433 (VCV002688433.2), dbSNP rs17852648, ClinGen allele CA688989.